The following is an entry in ClinVar:

NM_006267.5(RANBP2):c.7974C>G (p.Phe2658Leu)

Gene: RANBP2 (RAN binding protein 2; plus strand). Cytogenetic location: 2q13.
Variant type: single nucleotide variant.
Coding change: c.7974C>G on transcript NM_006267.5 (MANE Select); coding-DNA position 7974, C replaced by G.
Protein change: p.Phe2658Leu; replaces phenylalanine 2658 with leucine.
Molecular consequence: missense variant.
Genome position (GRCh38, 1-based): chr2:108,771,825, C>G. VCF-style: chr2-108771825-C-G. GRCh37 (hg19) VCF-style: chr2-109388281-C-G.
Other names: p.Phe2658Leu; short protein forms F2658L.
Identifiers: ClinVar variation 946814 (VCV000946814.11), dbSNP rs368484651, ClinGen allele CA1823712.

ClinVar aggregate classification (germline): Uncertain significance. Review status: criteria provided, multiple submitters, no conflicts (2 of 4 stars). 2 submissions from 2 submitters: Uncertain significance (2). Last evaluated 2024-01-26.

Conditions:
Familial acute necrotizing encephalopathy (IIAE3). Also called: ENCEPHALOPATHY, ACUTE, INFECTION-INDUCED, SUSCEPTIBILITY TO, 3; Susceptibility to Acute Necrotizing Encephalopathy 1. Identifiers: Orphanet 88619, MedGen C2675556, MONDO:0011953, OMIM 608033.

Allele frequency attached by ClinVar (database versions not stated): ExAC 0.00002; TOPMed 0.00003; gnomAD 0.00004; ESP Exome Variant Server 0.00008.
gnomAD v4.1: 27 of 1,613,890 alleles (0.0017%); highest among the groups gnomAD compares: Non-Finnish European, 0.0015%; no homozygotes.

Submissions (2):

Mayo Clinic Laboratories, Mayo Clinic
Classification: Uncertain significance. Last evaluated: 2024-01-26. Review status: criteria provided, single submitter. Criteria: ACMG Guidelines, 2015. Collection method: clinical testing. Allele origin: germline. Observed: 1 variant allele.
Comment: BP4, PP2

Labcorp Genetics (formerly Invitae), Labcorp
Classification: Uncertain significance for Familial acute necrotizing encephalopathy. Last evaluated: 2020-01-11. Review status: criteria provided, single submitter. Criteria: Invitae Variant Classification Sherloc (09022015). Collection method: clinical testing. Allele origin: germline.
Comment: In summary, the available evidence is currently insufficient to determine the role of this variant in disease. Therefore, it has been classified as a Variant of Uncertain Significance. Algorithms developed to predict the effect of missense changes on protein structure and function are either unavailable or do not agree on the potential impact of this missense change (SIFT: "Deleterious"; PolyPhen-2: "Probably Damaging"; Align-GVGD: "Class C15"). This variant has not been reported in the literature in individuals with RANBP2-related conditions. This variant is present in population databases (rs368484651, ExAC 0.03%). This sequence change replaces phenylalanine with leucine at codon 2658 of the RANBP2 protein (p.Phe2658Leu). The phenylalanine residue is highly conserved and there is a small physicochemical difference between phenylalanine and leucine.